The following is an entry in ClinVar:

ClinVar aggregate classification (germline): Uncertain significance (1 of 4 stars; one submission).

Conditions:
EGFR-related lung cancer (EGFR). Identifiers: MedGen CN130014.

Submission:

Labcorp Genetics (formerly Invitae), Labcorp
Classification: Uncertain significance for EGFR-related lung cancer. Last evaluated: 2022-11-09. Review status: criteria provided, single submitter. Criteria: Invitae Variant Classification Sherloc (09022015). Collection method: clinical testing. Allele origin: germline.
Comment: This variant is not present in population databases (gnomAD no frequency). In summary, the available evidence is currently insufficient to determine the role of this variant in disease. Therefore, it has been classified as a Variant of Uncertain Significance. Algorithms developed to predict the effect of sequence changes on RNA splicing suggest that this variant may disrupt the consensus splice site. This variant has not been reported in the literature in individuals affected with EGFR-related conditions. This sequence change falls in intron 23 of the EGFR gene. It does not directly change the encoded amino acid sequence of the EGFR protein.

NM_005228.5(EGFR):c.2848+12G>T

Gene: EGFR (epidermal growth factor receptor; plus strand). Cytogenetic location: 7p11.2.
Variant type: single nucleotide variant.
Coding change: c.2848+12G>T on transcript NM_005228.5 (MANE Select); 12 bases into the intron after coding-DNA position 2848, G replaced by T.
Molecular consequence: intron variant.
Genome position (GRCh38, 1-based): chr7:55,198,875, G>T. VCF-style: chr7-55198875-G-T. GRCh37 (hg19) VCF-style: chr7-55266568-G-T.
Other names: c.2713+12G>T (NM_001346899.2, NM_001346897.2); c.2047+12G>T (NM_001346941.2); c.2848+12G>T (NM_001346898.2); c.2689+12G>T (NM_001346900.2).
Identifiers: ClinVar variation 2813038 (VCV002813038.3), dbSNP rs1787732139, ClinGen allele CA2578893628.
Genomic context (GRCh38, chr7:55,198,875, plus strand): 5'-CCTCAGCCACCCATATGTACCATCGATGTCTACATGATCATGGTCAAGTGTGAGTGACTG[G>T]TGGGTCTGTCCACACTGCCTAGCTGAGCCTTGGTGGCTGCTCTTAGCCAAACAGCTGAGG-3'